The following is an entry in ClinVar:

NC_000011.10:g.2161310C>T

Gene: INS (insulin; minus strand). Cytogenetic location: 11p15.5.
Variant type: single nucleotide variant.
Genome position: GRCh38 VCF-style: chr11-2161310-C-T. GRCh37 (hg19) VCF-style: chr11-2182540-C-T.
Identifiers: ClinVar variation 4526926 (VCV004526926.1).

ClinVar aggregate classification (germline): Uncertain significance (1 of 4 stars; one submission).

Submission:

GeneDx
Classification: Uncertain significance. Last evaluated: 2025-05-05. Review status: criteria provided, single submitter. Criteria: GeneDx Variant Classification Process June 2021. Collection method: clinical testing. Allele origin: germline. Affected: yes.
Comment: Has not been previously published as pathogenic or benign to our knowledge; Located in a regulatory region; in the absence of functional studies, the actual effect of this sequence change is unknown